The following is an entry in ClinVar:

NM_001673.5(ASNS):c.1097G>A (p.Gly366Glu)

Genes: ASNS (asparagine synthetase (glutamine-hydrolyzing); minus strand), CZ1P-ASNS (CZ1P-ASNS readthrough; minus strand). Cytogenetic location: 7q21.3.
Variant type: single nucleotide variant.
Coding change: c.1097G>A on transcript NM_001673.5 (MANE Select); coding-DNA position 1097, G replaced by A.
Protein change: p.Gly366Glu; replaces glycine 366 with glutamic acid.
Molecular consequence: missense variant. On other transcripts: non-coding transcript variant (1).
Genome position (GRCh38, 1-based): chr7:97,855,393, C>T on the plus strand (G>A on the coding strand, the complement: ASNS is on the minus strand). VCF-style: chr7-97855393-C-T. GRCh37 (hg19) VCF-style: chr7-97484705-C-T.
Other names: c.1034G>A, p.Gly345Glu (NM_001178075.2); c.848G>A, p.Gly283Glu (NM_001178076.2, NM_001178077.1); c.1097G>A, p.Gly366Glu (NM_001352496.2, NM_133436.3, NM_183356.4); short protein forms G366E, G283E, G345E.
Identifiers: ClinVar variation 635971 (VCV000635971.2), dbSNP rs1584459666, ClinGen allele CA368265633.

ClinVar aggregate classification (germline): Uncertain significance. Review status: criteria provided, single submitter (1 of 4 stars). 2 submissions from 2 submitters: Uncertain significance (1). 1 of the submissions does not count toward it. Last evaluated 2024-08-08.

Conditions:
Congenital microcephaly - severe encephalopathy - progressive cerebral atrophy syndrome. Also called: Asparagine synthetase deficiency; ASNS DEFICIENCY. Identifiers: Orphanet 391376, MedGen C3809971, MONDO:0014258, OMIM 615574.

Submissions (2):

Women's Health and Genetics/Laboratory Corporation of America, LabCorp
Classification: Uncertain significance. Last evaluated: 2024-08-08. Review status: criteria provided, single submitter. Criteria: LabCorp Variant Classification Summary - May 2015. Collection method: clinical testing. Allele origin: germline.
Comment: Variant summary: ASNS c.1097G>A (p.Gly366Glu) results in a non-conservative amino acid change located in the Asparagine synthase domain (IPR001962) of the encoded protein sequence. Five of five in-silico tools predict a damaging effect of the variant on protein function. The variant was absent in 251074 control chromosomes (gnomAD). The available data on variant occurrences in the general population are insufficient to allow any conclusion about variant significance. c.1097G>A has been reported in the literature in an individual affected with Asparagine Synthetase Deficiency (Abhyankar_2018). These data do not allow any conclusion about variant significance. To our knowledge, no experimental evidence demonstrating an impact on protein function has been reported. The following publication has been ascertained in the context of this evaluation (PMID: 29375865). ClinVar contains an entry for this variant (Variation ID: 635971). Based on the evidence outlined above, the variant was classified as uncertain significance.

OMIM
Classification: Pathogenic for ASPARAGINE SYNTHETASE DEFICIENCY. Last evaluated: 2019-07-17. Review status: no assertion criteria provided. Collection method: literature only. Allele origin: germline. Not counted in ClinVar's aggregate classification.

Literature cited by the submitters: PubMed 29375865 (cited by Women's Health and Genetics/Laboratory Corporation of America, LabCorp and OMIM).